The following is an entry in ClinVar:

NM_005121.3(MED13):c.5824C>G (p.Leu1942Val)

Gene: MED13 (mediator complex subunit 13; minus strand). Cytogenetic location: 17q23.2.
Variant type: single nucleotide variant.
Coding change: c.5824C>G on transcript NM_005121.3 (MANE Select); coding-DNA position 5824, C replaced by G.
Protein change: p.Leu1942Val; replaces leucine 1942 with valine.
Molecular consequence: missense variant.
Genome position (GRCh38, 1-based): chr17:61,955,526, G>C on the plus strand (C>G on the coding strand, the complement: MED13 is on the minus strand). VCF-style: chr17-61955526-G-C. GRCh37 (hg19) VCF-style: chr17-60032887-G-C.
Other names: short protein forms L1942V.
Identifiers: ClinVar variation 2633277 (VCV002633277.1), dbSNP rs2079935216, ClinGen allele CA400503878.

ClinVar aggregate classification (germline): Uncertain significance (1 of 4 stars; one submission).

Conditions:
MED13-related disorder. Also called: MED13-related condition.

Allele frequency attached by ClinVar (database versions not stated): TOPMed below 0.00001; gnomAD 0.00001.

Submission:

PreventionGenetics, part of Exact Sciences
Classification: Uncertain significance for MED13-related condition. Last evaluated: 2023-06-05. Review status: criteria provided, single submitter. Criteria: ACMG Guidelines, 2015. Collection method: clinical testing. Allele origin: germline.
Comment: The MED13 c.5824C>G variant is predicted to result in the amino acid substitution p.Leu1942Val. To our knowledge, this variant has not been reported in the literature or in a large population database, indicating this variant is rare. At this time, the clinical significance of this variant is uncertain due to the absence of conclusive functional and genetic evidence.